The following is an entry in ClinVar:

NM_017563.5(IL17RD):c.33C>G (p.Phe11Leu)

Genes: IL17RD (interleukin 17 receptor D; minus strand), LOC129936924 (ATAC-STARR-seq lymphoblastoid silent region 14478; plus strand). Cytogenetic location: 3p14.3.
Variant type: single nucleotide variant.
Coding change: c.33C>G on transcript NM_017563.5 (MANE Select); coding-DNA position 33, C replaced by G.
Protein change: p.Phe11Leu; replaces phenylalanine 11 with leucine.
Molecular consequence: missense variant. On other transcripts: intron variant (1).
Genome position (GRCh38, 1-based): chr3:57,165,254, G>C on the plus strand (C>G on the coding strand, the complement: IL17RD is on the minus strand). VCF-style: chr3-57165254-G-C. GRCh37 (hg19) VCF-style: chr3-57199282-G-C.
Other names: c.33C>G, p.Phe11Leu (NM_001080973.1); c.-307+3978C>G (NM_001318864.2); c.33C>G (NM_017563.3); short protein forms F11L.
Identifiers: ClinVar variation 1987430 (VCV001987430.6), dbSNP rs764149889, ClinGen allele CA2463194.

ClinVar aggregate classification (germline): Conflicting classifications of pathogenicity. Review status: criteria provided, conflicting classifications (1 of 4 stars). 3 submissions from 3 submitters: Uncertain significance (1); Likely benign (2). Last evaluated 2025-12-03.

Allele frequency attached by ClinVar (database versions not stated): gnomAD exomes 0.00012; gnomAD 0.00013; TOPMed 0.00015; ExAC 0.00166.
gnomAD v4.1: 198 of 1,526,654 alleles (0.013%); highest among the groups gnomAD compares: Admixed American, 0.0061%; 1 homozygote.

Submissions (3):

Women's Health and Genetics/Laboratory Corporation of America, LabCorp
Classification: Likely benign. Last evaluated: 2025-12-03. Review status: criteria provided, single submitter. Criteria: LabCorp Variant Classification Summary - May 2015. Collection method: clinical testing. Allele origin: germline.
Comment: Variant summary: IL17RD c.33C>G (p.Phe11Leu) results in a non-conservative amino acid change in the encoded protein sequence. Algorithms developed to predict the effect of missense changes on protein structure and function are either unavailable or do not agree on the potential impact of this missense change. The variant allele was found at a frequency of 0.00042 in 116998 control chromosomes, predominantly at a frequency of 0.0059 within the Ashkenazi Jewish subpopulation in the gnomAD database. The observed variant frequency within Ashkenazi Jewish control individuals in the gnomAD database exceeds the estimated maximal expected allele frequency for disease-causing variants in IL17RD. To our knowledge, no occurrence of c.33C>G in individuals affected with IL17RD-related conditions and no experimental evidence demonstrating its impact on protein function have been reported. ClinVar contains an entry for this variant (Variation ID: 1987430). Based on the evidence outlined above, the variant was classified as likely benign.

Ambry Genetics
Classification: Uncertain significance. Last evaluated: 2025-08-03. Review status: criteria provided, single submitter. Criteria: Ambry Variant Classification Scheme 2023. Collection method: clinical testing. Allele origin: germline.

Labcorp Genetics (formerly Invitae), Labcorp
Classification: Likely benign. Last evaluated: 2025-07-06. Review status: criteria provided, single submitter. Criteria: Invitae Variant Classification Sherloc (09022015). Collection method: clinical testing. Allele origin: germline.